The following is an entry in ClinVar:

ClinVar aggregate classification (germline): Likely benign. Review status: criteria provided, multiple submitters, no conflicts (2 of 4 stars). 2 submissions from 2 submitters: Likely benign (2). Last evaluated 2026-09-21.

Conditions:
STXBP2-related disorder. Also called: STXBP2-related condition.
Familial hemophagocytic lymphohistiocytosis 5. Also called: STXBP2-Related Familial Hemophagocytic Lymphohistiocytosis (STXBP2-fHLH). Identifiers: Orphanet 540, MedGen C2751293, MONDO:0013135, OMIM 613101.

Allele frequency attached by ClinVar (database versions not stated): gnomAD 0.00001 and 0.00002; gnomAD exomes 0.00001 and 0.00002; ExAC 0.00002; TOPMed 0.00002; 1000 Genomes Project 0.00020; 1000 Genomes Project 30x 0.00031.
gnomAD v4.1: 16 of 1,614,116 alleles (0.00099%); highest among the groups gnomAD compares: East Asian, 0.0022%; 1 homozygote.

Submissions (2):

PreventionGenetics, part of Exact Sciences
Classification: Likely benign for STXBP2-related condition. Last evaluated: 2026-09-21. Review status: criteria provided, single submitter. Criteria: ACMG Guidelines, 2015. Collection method: clinical testing. Allele origin: germline.
Comment: This variant is classified as likely benign based on ACMG/AMP sequence variant interpretation guidelines (Richards et al. 2015 PMID: 25741868, with internal and published modifications).

Labcorp Genetics (formerly Invitae), Labcorp
Classification: Likely benign for Familial hemophagocytic lymphohistiocytosis 5. Last evaluated: 2025-03-06. Review status: criteria provided, single submitter. Criteria: Invitae Variant Classification Sherloc (09022015). Collection method: clinical testing. Allele origin: germline.

NM_006949.4(STXBP2):c.630C>T (p.Asn210=)

Gene: STXBP2 (syntaxin binding protein 2; plus strand). Cytogenetic location: 19p13.2.
Variant type: single nucleotide variant.
Coding change: c.630C>T on transcript NM_006949.4 (MANE Select); coding-DNA position 630, C replaced by T.
Protein change: p.Asn210=; no amino-acid change (asparagine 210 retained).
Molecular consequence: synonymous variant. On other transcripts: non-coding transcript variant (1).
Genome position (GRCh38, 1-based): chr19:7,642,085, C>T. VCF-style: chr19-7642085-C-T. GRCh37 (hg19) VCF-style: chr19-7706971-C-T.
Other names: c.621C>T, p.Asn207= (NM_001127396.3); c.663C>T, p.Asn221= (NM_001272034.2); c.630C>T (NM_006949.3).
Identifiers: ClinVar variation 1567840 (VCV001567840.9), dbSNP rs201691423, ClinGen allele CA9143736.